The following is an entry in ClinVar:

ClinVar aggregate classification (germline): Benign/Likely benign. Review status: criteria provided, multiple submitters, no conflicts (2 of 4 stars). 3 submissions from 3 submitters: Benign (1); Likely benign (2). Last evaluated 2026-07-14.

Conditions:
Hereditary cancer-predisposing syndrome. Also called: Neoplastic Syndromes, Hereditary; Tumor predisposition; Hereditary Cancer Syndrome; Hereditary neoplastic syndrome. Identifiers: Orphanet 140162, MedGen C0027672, MeSH D009386, MONDO:0015356.
Rhabdoid tumor predisposition syndrome 2 (RTPS2). Identifiers: Orphanet 231108, Orphanet 69077, MedGen C2750074, MONDO:0013224, OMIM 613325.

Submissions (3):

Myriad Genetics, Inc.
Classification: Benign for Rhabdoid tumor predisposition syndrome 2. Last evaluated: 2026-07-14. Review status: criteria provided, single submitter. Criteria: Myriad Autosomal Dominant, Autosomal Recessive and X-Linked Classification Criteria (2023). Collection method: clinical testing. Allele origin: unknown.
Comment: This variant is considered benign. This variant is a silent/synonymous amino acid change and it is not expected to impact splicing.

Labcorp Genetics (formerly Invitae), Labcorp
Classification: Likely benign for Rhabdoid tumor predisposition syndrome 2. Last evaluated: 2025-06-16. Review status: criteria provided, single submitter. Criteria: Invitae Variant Classification Sherloc (09022015). Collection method: clinical testing. Allele origin: germline.

Ambry Genetics
Classification: Likely benign for Hereditary cancer-predisposing syndrome. Last evaluated: 2015-12-08. Review status: criteria provided, single submitter. Criteria: Ambry Variant Classification Scheme 2023. Collection method: clinical testing. Allele origin: germline.

NM_003072.5(SMARCA4):c.2763C>G (p.Leu921=)

Gene: SMARCA4 (SWI/SNF related BAF chromatin remodeling complex subunit ATPase 4; plus strand). Cytogenetic location: 19p13.2.
Variant type: single nucleotide variant.
Coding change: c.2763C>G on transcript NM_003072.5 (MANE Select); coding-DNA position 2763, C replaced by G.
Protein change: p.Leu921=; no amino-acid change (leucine 921 retained).
Molecular consequence: synonymous variant. On other transcripts: non-coding transcript variant (1).
Genome position (GRCh38, 1-based): chr19:11,021,871, C>G. VCF-style: chr19-11021871-C-G. GRCh37 (hg19) VCF-style: chr19-11132547-C-G.
Other names: c.2763C>G, p.Leu921= (NM_001128844.3, NM_001128845.2, NM_001128846.2 and 5 more transcripts).
Identifiers: ClinVar variation 1591390 (VCV001591390.11), dbSNP rs574844383, ClinGen allele CA505743609.
Genomic context (GRCh38, chr19:11,021,871, plus strand): 5'-TGTGGCACCCCGCCGCCTGCTGCTGACGGGCACACCGCTGCAGAACAAGCTTCCCGAGCT[C>G]TGGGCGCTGCTCAACTTCCTGCTGCCCACCATCTTCAAGAGCTGCAGCACCTTCGAGCAG-3'
Protein context (NP_003063.2, residues 911-931): GTPLQNKLPE[Leu921=]WALLNFLLPT